The following is an entry in ClinVar:

NM_012062.5(DNM1L):c.158G>T (p.Arg53Ile)

Gene: DNM1L (dynamin 1 like; plus strand). Cytogenetic location: 12p11.21.
Variant type: single nucleotide variant.
Coding change: c.158G>T on transcript NM_012062.5 (MANE Select); coding-DNA position 158, G replaced by T.
Protein change: p.Arg53Ile; replaces arginine 53 with isoleucine.
Molecular consequence: missense variant. On other transcripts: 5 prime UTR variant (1).
Genome position (GRCh38, 1-based): chr12:32,701,470, G>T. VCF-style: chr12-32701470-G-T. GRCh37 (hg19) VCF-style: chr12-32854404-G-T.
Other names: c.158G>T, p.Arg53Ile (NM_001278463.2, NM_001278464.2, NM_001278465.2 and 3 more transcripts); c.-48G>T (NM_001278466.2); short protein forms R53I.
Identifiers: ClinVar variation 3363251 (VCV003363251.1).

ClinVar aggregate classification (germline): Uncertain significance (1 of 4 stars; one submission).

Submission:

GeneDx
Classification: Uncertain significance. Last evaluated: 2023-10-25. Review status: criteria provided, single submitter. Criteria: GeneDx Variant Classification Process June 2021. Collection method: clinical testing. Allele origin: germline. Affected: yes.
Comment: Not observed at significant frequency in large population cohorts (gnomAD); In silico analysis supports that this missense variant has a deleterious effect on protein structure/function; Has not been previously published as pathogenic or benign to our knowledge.